The following is an entry in ClinVar:

ClinVar aggregate classification (germline): Uncertain significance (1 of 4 stars; one submission).

Submission:

GeneDx
Classification: Uncertain significance. Last evaluated: 2024-09-20. Review status: criteria provided, single submitter. Criteria: GeneDx Variant Classification Process June 2021. Collection method: clinical testing. Allele origin: germline. Affected: yes.
Comment: Not observed at significant frequency in large population cohorts (gnomAD); In silico analysis supports that this missense variant has a deleterious effect on protein structure/function; Has not been previously published as pathogenic or benign to our knowledge

NM_003074.4(SMARCC1):c.2276G>T (p.Ser759Ile)

Gene: SMARCC1 (SWI/SNF related BAF chromatin remodeling complex subunit C1; minus strand). Cytogenetic location: 3p21.31.
Variant type: single nucleotide variant.
Coding change: c.2276G>T on transcript NM_003074.4 (MANE Select); coding-DNA position 2276, G replaced by T.
Protein change: p.Ser759Ile; replaces serine 759 with isoleucine.
Molecular consequence: missense variant.
Genome position (GRCh38, 1-based): chr3:47,661,338, C>A on the plus strand (G>T on the coding strand, the complement: SMARCC1 is on the minus strand). VCF-style: chr3-47661338-C-A. GRCh37 (hg19) VCF-style: chr3-47702828-C-A.
Other names: short protein forms S759I.
Identifiers: ClinVar variation 3774251 (VCV003774251.1).
Genomic context (GRCh38, chr3:47,661,338, plus strand): 5'-AGCAGCAGTGACTCACCAAGCTTCTCTGGCTCATCGGGCCCTGTGCCTGCAATGCAGCTG[C>A]TCTCCAGACCGTAGGTGGGATCCACTTTCCCAGAGGCTCGTGCTGCTTCTTGTACTTTCT-3'
Protein context (NP_003065.3, residues 749-769): GKVDPTYGLE[Ser759Ile]SCIAGTGPDE